The following is an entry in ClinVar:

NM_001112741.2(KCNC1):c.131G>A (p.Ser44Asn)

Gene: KCNC1 (potassium voltage-gated channel subfamily C member 1; plus strand). Cytogenetic location: 11p15.1.
Variant type: single nucleotide variant.
Coding change: c.131G>A on transcript NM_001112741.2 (MANE Select); coding-DNA position 131, G replaced by A.
Protein change: p.Ser44Asn; replaces serine 44 with asparagine.
Molecular consequence: missense variant.
Genome position (GRCh38, 1-based): chr11:17,736,133, G>A. VCF-style: chr11-17736133-G-A. GRCh37 (hg19) VCF-style: chr11-17757680-G-A.
Other names: c.131G>A, p.Ser44Asn (NM_004976.4); short protein forms S44N.
Identifiers: ClinVar variation 653011 (VCV000653011.11), dbSNP rs773455390, ClinGen allele CA5906649.

ClinVar aggregate classification (germline): Uncertain significance. Review status: criteria provided, multiple submitters, no conflicts (2 of 4 stars). 2 submissions from 2 submitters: Uncertain significance (2). Last evaluated 2018-08-28.

Conditions:
Inborn genetic diseases. Identifiers: MedGen C0950123, MeSH D030342.
Progressive myoclonic epilepsy type 7. Identifiers: Orphanet 435438, MedGen C4015420, MONDO:0014521, OMIM 616187.

Allele frequency attached by ClinVar (database versions not stated): gnomAD exomes below 0.00001; TOPMed below 0.00001; ExAC 0.00001; gnomAD 0.00001.
gnomAD v4.1: 4 of 1,612,514 alleles (0.00025%); highest among the groups gnomAD compares: African/African-American, 0.004%; no homozygotes.

Submissions (2):

Labcorp Genetics (formerly Invitae), Labcorp
Classification: Uncertain significance for Progressive myoclonic epilepsy type 7. Last evaluated: 2018-08-28. Review status: criteria provided, single submitter. Criteria: Invitae Variant Classification Sherloc (09022015). Collection method: clinical testing. Allele origin: germline.
Comment: This variant has not been reported in the literature in individuals with KCNC1-related disease. This sequence change replaces serine with asparagine at codon 44 of the KCNC1 protein (p.Ser44Asn). The serine residue is moderately conserved and there is a small physicochemical difference between serine and asparagine. This variant is present in population databases (rs773455390, ExAC 0.01%). Algorithms developed to predict the effect of missense changes on protein structure and function (SIFT, PolyPhen-2, Align-GVGD) all suggest that this variant is likely to be tolerated, but these predictions have not been confirmed by published functional studies and their clinical significance is uncertain. In summary, the available evidence is currently insufficient to determine the role of this variant in disease. Therefore, it has been classified as a Variant of Uncertain Significance.

Ambry Genetics
Classification: Uncertain significance for Inborn genetic diseases. Last evaluated: 2017-07-12. Review status: criteria provided, single submitter. Criteria: Ambry Variant Classification Scheme 2023. Collection method: clinical testing. Allele origin: germline.
Comment: The p.S44N variant (also known as c.131G>A), located in coding exon 1 of the KCNC1 gene, results from a G to A substitution at nucleotide position 131. The serine at codon 44 is replaced by asparagine, an amino acid with highly similar properties. This amino acid position is well conserved in available vertebrate species. In addition, this alteration is predicted to be tolerated by in silico analysis. Since supporting evidence is limited at this time, the clinical significance of this alteration remains unclear.